The following is an entry in ClinVar:

NM_001324144.2(ZNF41):c.2114G>A (p.Arg705His)

Gene: ZNF41 (zinc finger protein 41; minus strand). Cytogenetic location: Xp11.3.
Variant type: single nucleotide variant.
Coding change: c.2114G>A on transcript NM_001324144.2 (MANE Select); coding-DNA position 2114, G replaced by A.
Protein change: p.Arg705His; replaces arginine 705 with histidine.
Molecular consequence: missense variant.
Genome position (GRCh38, 1-based): chrX:47,447,656, C>T on the plus strand (G>A on the coding strand, the complement: ZNF41 is on the minus strand). VCF-style: chrX-47447656-C-T. GRCh37 (hg19) VCF-style: chrX-47307055-C-T.
Other names: c.1856G>A, p.Arg619His (NM_001324139.2, NM_001324141.2, NM_001324143.2 and 3 more transcripts); c.2114G>A, p.Arg705His (NM_001324140.2, NM_001324147.2, NM_001324150.2 and 2 more transcripts); c.2120G>A, p.Arg707His (NM_001324142.2, NM_001324148.2); c.2144G>A, p.Arg715His (NM_001324151.2, NM_001324153.2); c.2216G>A, p.Arg739His (NM_001324154.1); c.2240G>A, p.Arg747His (NM_001324155.1); c.2012G>A, p.Arg671His (NM_001324156.1); c.2006G>A, p.Arg669His (NM_001324157.1); short protein forms R705H, R747H, R739H, R619H, R669H, R671H, R715H, R707H.
Identifiers: ClinVar variation 368360 (VCV000368360.29), dbSNP rs144904486, ClinGen allele CA10397624.

ClinVar aggregate classification (germline): Conflicting classifications of pathogenicity. Review status: criteria provided, conflicting classifications (1 of 4 stars). 4 submissions from 4 submitters: Uncertain significance (1); Likely benign (1). 2 of the submissions do not count toward it. Last evaluated 2023-01-01.

Conditions:
History of neurodevelopmental disorder. Identifiers: MedGen C2711754.

Allele frequency attached by ClinVar (database versions not stated): ExAC 0.00041; TOPMed 0.00046; gnomAD 0.00047 and 0.00050; ESP Exome Variant Server 0.00066.
gnomAD v4.1: 458 of 1,209,810 alleles (0.038%); highest among the groups gnomAD compares: Non-Finnish European, 0.041%; no homozygotes.

Submissions (4):

CeGaT Center for Human Genetics Tuebingen
Classification: Likely benign. Last evaluated: 2023-01-01. Review status: criteria provided, single submitter. Criteria: CeGaT Center For Human Genetics Tuebingen Variant Classification Criteria Version 2. Collection method: clinical testing. Allele origin: germline. Affected: yes. Observed: 1 variant allele.
Comment: ZNF41: BS2

Ambry Genetics
Classification: Uncertain significance for History of neurodevelopmental disorder. Last evaluated: 2011-09-20. Review status: criteria provided, single submitter. Criteria: Ambry Autosomal Dominant and X-Linked criteria (10/2015). Collection method: clinical testing. Allele origin: germline. Observed: 1 variant allele.
Comment: There is insufficient or conflicting evidence for classification of this alteration.

Clinical Genetics DNA and cytogenetics Diagnostics Lab, Erasmus MC, Erasmus Medical Center
Classification: Likely benign. Review status: no assertion criteria provided. Collection method: clinical testing. Allele origin: germline. Affected: yes. Study: VKGL Data-share Consensus. Not counted in ClinVar's aggregate classification.

Laboratory of Diagnostic Genome Analysis, Leiden University Medical Center (LUMC)
Classification: Likely benign. Review status: no assertion criteria provided. Collection method: clinical testing. Allele origin: germline. Affected: yes. Study: VKGL Data-share Consensus. Not counted in ClinVar's aggregate classification.